The following is an entry in ClinVar:

ClinVar aggregate classification (germline): Conflicting classifications of pathogenicity. Review status: criteria provided, conflicting classifications (1 of 4 stars). 7 submissions from 7 submitters: Uncertain significance (4); Likely benign (2). 1 of the submissions does not count toward it. Last evaluated 2026-04-30.

Conditions:
Usher syndrome type 1B (USH1B). Also called: Usher syndrome type IB. Identifiers: MedGen C1848638, MONDO:0700087.
MYO7A-related disorder. Also called: MYO7A-related disorders.
Inborn genetic diseases. Identifiers: MedGen C0950123, MeSH D030342.

Allele frequency attached by ClinVar (database versions not stated): 1000 Genomes Project 30x 0.00016; ExAC 0.00017.

Submissions (7):

Ambry Genetics
Classification: Uncertain significance for Inborn genetic diseases. Last evaluated: 2026-04-30. Review status: criteria provided, single submitter. Criteria: Ambry Variant Classification Scheme 2023. Collection method: clinical testing. Allele origin: germline.

PreventionGenetics, part of Exact Sciences
Classification: Likely benign for MYO7A-related condition. Last evaluated: 2025-01-06. Review status: criteria provided, single submitter. Criteria: ACMG Guidelines, 2015. Collection method: clinical testing. Allele origin: germline.
Comment: This variant is classified as likely benign based on ACMG/AMP sequence variant interpretation guidelines (Richards et al. 2015 PMID: 25741868, with internal and published modifications).

GeneDx
Classification: Uncertain significance. Last evaluated: 2024-10-23. Review status: criteria provided, single submitter. Criteria: GeneDx Variant Classification Process June 2021. Collection method: clinical testing. Allele origin: germline. Affected: yes.
Comment: In silico analysis indicates that this missense variant does not alter protein structure/function; Has not been previously published as pathogenic or benign to our knowledge

Labcorp Genetics (formerly Invitae), Labcorp
Classification: Likely benign. Last evaluated: 2024-10-15. Review status: criteria provided, single submitter. Criteria: Invitae Variant Classification Sherloc (09022015). Collection method: clinical testing. Allele origin: germline.

Blueprint Genetics
Classification: Uncertain significance. Last evaluated: 2024-07-11. Review status: criteria provided, single submitter. Criteria: ACMG Guidelines, 2015. Collection method: clinical testing. Allele origin: germline.

Laboratory for Molecular Medicine, Mass General Brigham Personalized Medicine
Classification: Uncertain significance. Last evaluated: 2018-11-28. Review status: criteria provided, single submitter. Criteria: LMM Criteria. Collection method: clinical testing. Allele origin: germline. Observed: 1 variant allele.
Comment: The p.Ala1755Thr variant in MYO7A has not been previously reported in individual s with hearing loss or Usher syndrome, but has been identified in 0.069% (16/228 60) of South Asian chromosomes by gnomAD. Com putational prediction tools and conservation analysis do not provide strong supp ort for or against an impact to the protein. In summary, the clinical significan ce of this variant is uncertain. ACMG/AMP Criteria applied: PM2_Supporting.

Natera, Inc.
Classification: Uncertain significance for Usher syndrome type 1B. Last evaluated: 2020-09-16. Review status: no assertion criteria provided. Collection method: clinical testing. Allele origin: germline. Not counted in ClinVar's aggregate classification.

NM_000260.4(MYO7A):c.5263G>A (p.Ala1755Thr)

Gene: MYO7A (myosin VIIA; plus strand). Cytogenetic location: 11q13.5.
Variant type: single nucleotide variant.
Coding change: c.5263G>A on transcript NM_000260.4 (MANE Select); coding-DNA position 5263, G replaced by A.
Protein change: p.Ala1755Thr; replaces alanine 1755 with threonine.
Molecular consequence: missense variant.
Genome position (GRCh38, 1-based): chr11:77,203,154, G>A. VCF-style: chr11-77203154-G-A. GRCh37 (hg19) VCF-style: chr11-76914199-G-A.
Other names: c.5149G>A, p.Ala1717Thr (NM_001127180.2); c.5116G>A, p.Ala1706Thr (NM_001369365.1); short protein forms A1755T, A1706T, A1717T.
Identifiers: ClinVar variation 666886 (VCV000666886.17), dbSNP rs762131185, ClinGen allele CA6198659.